The following is an entry in ClinVar:

NM_001257096.2(PAX1):c.52G>C (p.Gly18Arg)

Gene: PAX1 (paired box 1; plus strand). Cytogenetic location: 20p11.22.
Variant type: single nucleotide variant.
Coding change: c.52G>C on transcript NM_001257096.2 (MANE Select); coding-DNA position 52, G replaced by C.
Protein change: p.Gly18Arg; replaces glycine 18 with arginine.
Molecular consequence: missense variant.
Genome position (GRCh38, 1-based): chr20:21,705,764, G>C. VCF-style: chr20-21705764-G-C. GRCh37 (hg19) VCF-style: chr20-21686402-G-C.
Other names: c.52G>C, p.Gly18Arg (NM_006192.5); c.52G>C (NM_006192.3); short protein forms G18R.
Identifiers: ClinVar variation 1440551 (VCV001440551.6), dbSNP rs1347724154, ClinGen allele CA408496769.
Genomic context (GRCh38, chr20:21,705,764, plus strand): 5'-CCCAATCGGATGAAGTTCACCCTGGGCCTGGGGTCGCGGGCGTGGAGAGTGTCCTGGGAG[G>C]GGGCAGCAGCGGCGGCGGCAGGCCCTGGAGCGGGCGGCAGCGCGCTCCGCTGCCGCGCAC-3'
Protein context (NP_001244025.1, residues 8-28): GSRAWRVSWE[Gly18Arg]AAAAAAGPGA

ClinVar aggregate classification (germline): Conflicting classifications of pathogenicity. Review status: criteria provided, conflicting classifications (1 of 4 stars). 2 submissions from 2 submitters: Uncertain significance (1); Likely benign (1). Last evaluated 2025-02-07.

Conditions:
Inborn genetic diseases. Identifiers: MedGen C0950123, MeSH D030342.

Allele frequency attached by ClinVar (database versions not stated): gnomAD 0.00002 and 0.00003.
gnomAD v4.1: 25 of 1,262,292 alleles (0.002%); highest among the groups gnomAD compares: Non-Finnish European, 0.0024%; no homozygotes.

Submissions (2):

Ambry Genetics
Classification: Likely benign for Inborn genetic diseases. Last evaluated: 2025-02-07. Review status: criteria provided, single submitter. Criteria: Ambry Variant Classification Scheme 2023. Collection method: clinical testing. Allele origin: germline.

Labcorp Genetics (formerly Invitae), Labcorp
Classification: Uncertain significance. Last evaluated: 2021-08-26. Review status: criteria provided, single submitter. Criteria: Invitae Variant Classification Sherloc (09022015). Collection method: clinical testing. Allele origin: germline.
Comment: This sequence change replaces glycine with arginine at codon 18 of the PAX1 protein (p.Gly18Arg). The glycine residue is weakly conserved and there is a moderate physicochemical difference between glycine and arginine. The frequency data for this variant in the population databases is considered unreliable, as metrics indicate insufficient coverage at this position in the ExAC database. This variant has not been reported in the literature in individuals affected with PAX1-related conditions. Algorithms developed to predict the effect of missense changes on protein structure and function output the following: SIFT: "Tolerated"; PolyPhen-2: "Benign"; Align-GVGD: "Class C0". The arginine amino acid residue is found in multiple mammalian species, which suggests that this missense change does not adversely affect protein function. In summary, the available evidence is currently insufficient to determine the role of this variant in disease. Therefore, it has been classified as a Variant of Uncertain Significance.